The following is an entry in ClinVar:

ClinVar aggregate classification (germline): Uncertain significance (1 of 4 stars; one submission).

Conditions:
Alstrom syndrome (ALMS). Identifiers: Orphanet 64, MedGen C0268425, MONDO:0008763, OMIM 203800.

Submission:

Labcorp Genetics (formerly Invitae), Labcorp
Classification: Uncertain significance for Alstrom syndrome. Last evaluated: 2021-10-14. Review status: criteria provided, single submitter. Criteria: Invitae Variant Classification Sherloc (09022015). Collection method: clinical testing. Allele origin: germline.
Comment: In summary, the available evidence is currently insufficient to determine the role of this variant in disease. Therefore, it has been classified as a Variant of Uncertain Significance. Experimental studies and prediction algorithms are not available or were not evaluated, and the functional significance of this variant is currently unknown. This variant has not been reported in the literature in individuals affected with ALMS1-related conditions. This variant is not present in population databases (ExAC no frequency). This sequence change replaces proline with arginine at codon 3532 of the ALMS1 protein (p.Pro3532Arg). The proline residue is moderately conserved and there is a moderate physicochemical difference between proline and arginine.

NM_001378454.1(ALMS1):c.10592C>G (p.Pro3531Arg)

Gene: ALMS1 (ALMS1 centrosome and basal body associated protein; plus strand). Cytogenetic location: 2p13.1.
Variant type: single nucleotide variant.
Coding change: c.10592C>G on transcript NM_001378454.1 (MANE Select); coding-DNA position 10592, C replaced by G.
Protein change: p.Pro3531Arg; replaces proline 3531 with arginine.
Molecular consequence: missense variant.
Genome position (GRCh38, 1-based): chr2:73,572,469, C>G. VCF-style: chr2-73572469-C-G. GRCh37 (hg19) VCF-style: chr2-73799596-C-G.
Other names: c.10595C>G, p.Pro3532Arg (NM_015120.4); short protein forms P3531R, P3532R.
Identifiers: ClinVar variation 1359416 (VCV001359416.6), dbSNP rs2104104344, ClinGen allele CA347283983.